The following is an entry in ClinVar:

ClinVar aggregate classification (germline): Likely benign (1 of 4 stars; one submission).

Submission:

CeGaT Center for Human Genetics Tuebingen
Classification: Likely benign. Last evaluated: 2026-04-01. Review status: criteria provided, single submitter. Criteria: CeGaT Center For Human Genetics Tuebingen Variant Classification Criteria Version 2. Collection method: clinical testing. Allele origin: germline. Affected: yes. Observed: 1 variant allele.
Comment: ZMYND15: BP4, BP7

NM_001136046.3(ZMYND15):c.1968G>A (p.Ala656=)

Gene: ZMYND15 (zinc finger MYND-type containing 15; plus strand). Cytogenetic location: 17p13.2.
Variant type: single nucleotide variant.
Coding change: c.1968G>A on transcript NM_001136046.3 (MANE Select); coding-DNA position 1968, G replaced by A.
Protein change: p.Ala656=; no amino-acid change (alanine 656 retained).
Molecular consequence: synonymous variant.
Genome position (GRCh38, 1-based): chr17:4,745,286, G>A. VCF-style: chr17-4745286-G-A. GRCh37 (hg19) VCF-style: chr17-4648581-G-A.
Other names: c.1992G>A, p.Ala664= (NM_001267822.1); c.1851G>A, p.Ala617= (NM_032265.2).
Identifiers: ClinVar variation 4873229 (VCV004873229.2).